The following is an entry in ClinVar:

NM_020745.4(AARS2):c.1831C>T (p.Arg611Trp)

Gene: AARS2 (alanyl-tRNA synthetase 2, mitochondrial; minus strand). Cytogenetic location: 6p21.1.
Variant type: single nucleotide variant.
Coding change: c.1831C>T on transcript NM_020745.4 (MANE Select); coding-DNA position 1831, C replaced by T.
Protein change: p.Arg611Trp; replaces arginine 611 with tryptophan.
Molecular consequence: missense variant.
Genome position (GRCh38, 1-based): chr6:44,304,455, G>A on the plus strand (C>T on the coding strand, the complement: AARS2 is on the minus strand). VCF-style: chr6-44304455-G-A. GRCh37 (hg19) VCF-style: chr6-44272192-G-A.
Other names: short protein forms R611W.
Identifiers: ClinVar variation 1422900 (VCV001422900.10), dbSNP rs370481312, ClinGen allele CA138388935.
Genomic context (GRCh38, chr6:44,304,455, plus strand): 5'-GGGAACAGTTAGGGAGGATCCTTACCTCATCCACATGCAGCTGCACCTGGTCCCCTAACC[G>A]CAGGCACTCAGGGGCTACTGCCTCATGCAGGATGAAACCTCCACAGACCTGGGCCCGGGC-3'
Protein context (NP_065796.2, residues 601-621): LHEAVAPECL[Arg611Trp]LGDQVQLHVD

ClinVar aggregate classification (germline): Uncertain significance. Review status: criteria provided, multiple submitters, no conflicts (2 of 4 stars). 2 submissions from 2 submitters: Uncertain significance (2). Last evaluated 2024-03-20.

Conditions:
Inborn genetic diseases. Identifiers: MedGen C0950123, MeSH D030342.

Allele frequency attached by ClinVar (database versions not stated): gnomAD exomes below 0.00001 and 0.00001; gnomAD 0.00001; TOPMed 0.00001; ESP Exome Variant Server 0.00008.
gnomAD v4.1: 14 of 1,614,060 alleles (0.00087%); highest among the groups gnomAD compares: African/African-American, 0.0013%; no homozygotes.

Submissions (2):

Ambry Genetics
Classification: Uncertain significance for Inborn genetic diseases. Last evaluated: 2024-03-20. Review status: criteria provided, single submitter. Criteria: Ambry Variant Classification Scheme 2023. Collection method: clinical testing. Allele origin: germline.

Labcorp Genetics (formerly Invitae), Labcorp
Classification: Uncertain significance. Last evaluated: 2023-05-22. Review status: criteria provided, single submitter. Criteria: Invitae Variant Classification Sherloc (09022015). Collection method: clinical testing. Allele origin: germline.
Comment: Algorithms developed to predict the effect of sequence changes on RNA splicing suggest that this variant may create or strengthen a splice site. In summary, the available evidence is currently insufficient to determine the role of this variant in disease. Therefore, it has been classified as a Variant of Uncertain Significance. Advanced modeling of protein sequence and biophysical properties (such as structural, functional, and spatial information, amino acid conservation, physicochemical variation, residue mobility, and thermodynamic stability) performed at Invitae indicates that this missense variant is expected to disrupt AARS2 protein function. This sequence change replaces arginine, which is basic and polar, with tryptophan, which is neutral and slightly polar, at codon 611 of the AARS2 protein (p.Arg611Trp). ClinVar contains an entry for this variant (Variation ID: 1422900). This variant has not been reported in the literature in individuals affected with AARS2-related conditions. This variant is not present in population databases (gnomAD no frequency).